The following is an entry in ClinVar:

ClinVar aggregate classification (germline): Uncertain significance (1 of 4 stars; one submission).

Conditions:
Congenital disorder of glycosylation, type Iaa. Also called: Congenital disorder of glycosylation, type 1aa. Identifiers: MedGen C4310727, MONDO:0014904, OMIM 617082.

gnomAD v4.1: 2 of 1,564,926 alleles (0.00013%); highest among the groups gnomAD compares: South Asian, 0.0023%; no homozygotes.

Submission:

Labcorp Genetics (formerly Invitae), Labcorp
Classification: Uncertain significance for Congenital disorder of glycosylation, type Iaa. Last evaluated: 2022-08-17. Review status: criteria provided, single submitter. Criteria: Invitae Variant Classification Sherloc (09022015). Collection method: clinical testing. Allele origin: germline.
Comment: In summary, the available evidence is currently insufficient to determine the role of this variant in disease. Therefore, it has been classified as a Variant of Uncertain Significance. Algorithms developed to predict the effect of missense changes on protein structure and function are either unavailable or do not agree on the potential impact of this missense change (SIFT: "Tolerated"; PolyPhen-2: "Possibly Damaging"; Align-GVGD: "Class C0"). This variant has not been reported in the literature in individuals affected with NUS1-related conditions. This variant is not present in population databases (gnomAD no frequency). This sequence change replaces alanine, which is neutral and non-polar, with proline, which is neutral and non-polar, at codon 46 of the NUS1 protein (p.Ala46Pro).

NM_138459.5(NUS1):c.136G>C (p.Ala46Pro)

Gene: NUS1 (NUS1 dehydrodolichyl diphosphate synthase subunit; plus strand). Cytogenetic location: 6q22.1.
Variant type: single nucleotide variant.
Coding change: c.136G>C on transcript NM_138459.5 (MANE Select); coding-DNA position 136, G replaced by C.
Protein change: p.Ala46Pro; replaces alanine 46 with proline.
Molecular consequence: missense variant.
Genome position (GRCh38, 1-based): chr6:117,675,806, G>C. VCF-style: chr6-117675806-G-C. GRCh37 (hg19) VCF-style: chr6-117996969-G-C.
Other names: short protein forms A46P.
Identifiers: ClinVar variation 1716605 (VCV001716605.5), dbSNP rs2481982726, ClinGen allele CA365535976.
Genomic context (GRCh38, chr6:117,675,806, plus strand): 5'-CTCCGCGTTCGGTTCGGCACCTGGAACTGGATCTGGCGGCGCTGCTGCCGCGCCGCCTCT[G>C]CCGCGGTCCTAGCGCCGCTCGGCTTCACGCTCCGCAAGCCCCCGGCAGTCGGCAGGAACC-3'
Protein context (NP_612468.1, residues 36-56): IWRRCCRAAS[Ala46Pro]AVLAPLGFTL